The following is an entry in ClinVar:

ClinVar aggregate classification (germline): Pathogenic (1 of 4 stars; one submission).

Conditions:
Cerebral creatine deficiency syndrome. Also called: Creatine deficiency syndromes. Identifiers: Orphanet 79172, MedGen C5244016, MONDO:0000456.

Submission:

Labcorp Genetics (formerly Invitae), Labcorp
Classification: Pathogenic for Cerebral creatine deficiency syndrome. Last evaluated: 2022-06-04. Review status: criteria provided, single submitter. Criteria: Invitae Variant Classification Sherloc (09022015). Collection method: clinical testing. Allele origin: germline.
Comment: For these reasons, this variant has been classified as Pathogenic. This variant has not been reported in the literature in individuals affected with GAMT-related conditions. This variant is not present in population databases (gnomAD no frequency). This sequence change creates a premature translational stop signal (p.Asp28Glyfs*57) in the GAMT gene. It is expected to result in an absent or disrupted protein product. Loss-of-function variants in GAMT are known to be pathogenic (PMID: 15108290).

Literature cited by the submitters: PubMed 15108290.

NM_000156.6(GAMT):c.82dup (p.Asp28fs)

Genes: GAMT (guanidinoacetate N-methyltransferase; minus strand), LOC130062945 (ATAC-STARR-seq lymphoblastoid silent region 9707; plus strand). Cytogenetic location: 19p13.3.
Variant type: Duplication.
Coding change: c.82dup on transcript NM_000156.6 (MANE Select); coding-DNA position 82, one base duplicated (G; older notation c.82dupG).
Protein change: p.Asp28fs; shifts the reading frame from aspartic acid 28.
Molecular consequence: frameshift variant.
Genome position (GRCh38, 1-based): chr19:1,401,395, C duplicated on the plus strand (G on the coding strand, the reverse complement: GAMT is on the minus strand). VCF-style (leftmost placement, unchanged base first): chr19-1401394-T-TC. GRCh37 (hg19) VCF-style: chr19-1401393-T-TC.
Other names: c.82dup, p.Asp28fs (NM_138924.3); short protein forms D28fs.
Identifiers: ClinVar variation 2123720 (VCV002123720.4), dbSNP rs2512229031, ClinGen allele CA2580096099.